The following is an entry in ClinVar:

NM_015192.4(PLCB1):c.2286G>T (p.Leu762Phe)

Gene: PLCB1 (phospholipase C beta 1; plus strand). Cytogenetic location: 20p12.3.
Variant type: single nucleotide variant.
Coding change: c.2286G>T on transcript NM_015192.4 (MANE Select); coding-DNA position 2286, G replaced by T.
Protein change: p.Leu762Phe; replaces leucine 762 with phenylalanine.
Molecular consequence: missense variant.
Genome position (GRCh38, 1-based): chr20:8,739,338, G>T. VCF-style: chr20-8739338-G-T. GRCh37 (hg19) VCF-style: chr20-8719985-G-T.
Other names: c.2286G>T, p.Leu762Phe (NM_182734.3); short protein forms L762F.
Identifiers: ClinVar variation 863439 (VCV000863439.12), dbSNP rs202079822, ClinGen allele CA311263193.

ClinVar aggregate classification (germline): Uncertain significance. Review status: criteria provided, multiple submitters, no conflicts (2 of 4 stars). 4 submissions from 4 submitters: Uncertain significance (4). Last evaluated 2025-02-26.

Conditions:
Inborn genetic diseases. Identifiers: MedGen C0950123, MeSH D030342.
Developmental and epileptic encephalopathy, 12 (DEE12). Identifiers: MedGen C3150988, MONDO:0013389, OMIM 613722.

Allele frequency attached by ClinVar (database versions not stated): gnomAD exomes below 0.00001 and 0.00002; gnomAD 0.00001; TOPMed 0.00003.
gnomAD v4.1: 28 of 1,612,554 alleles (0.0017%); highest among the groups gnomAD compares: Non-Finnish European, 0.0021%; no homozygotes.

Submissions (4):

Ambry Genetics
Classification: Uncertain significance for Inborn genetic diseases. Last evaluated: 2025-02-26. Review status: criteria provided, single submitter. Criteria: Ambry Variant Classification Scheme 2023. Collection method: clinical testing. Allele origin: germline.

GeneDx
Classification: Uncertain significance. Last evaluated: 2025-01-03. Review status: criteria provided, single submitter. Criteria: GeneDx Variant Classification Process June 2021. Collection method: clinical testing. Allele origin: germline. Affected: yes.
Comment: Not observed at significant frequency in large population cohorts (gnomAD); In silico analysis supports that this missense variant has a deleterious effect on protein structure/function; Has not been previously published as pathogenic or benign to our knowledge

Blueprint Genetics
Classification: Uncertain significance. Last evaluated: 2023-08-08. Review status: criteria provided, single submitter. Criteria: ACMG Guidelines, 2015. Collection method: clinical testing. Allele origin: germline.

Labcorp Genetics (formerly Invitae), Labcorp
Classification: Uncertain significance for Developmental and epileptic encephalopathy, 12. Last evaluated: 2021-08-27. Review status: criteria provided, single submitter. Criteria: Invitae Variant Classification Sherloc (09022015). Collection method: clinical testing. Allele origin: germline.
Comment: This sequence change replaces leucine with phenylalanine at codon 762 of the PLCB1 protein (p.Leu762Phe). The leucine residue is moderately conserved and there is a small physicochemical difference between leucine and phenylalanine. This variant is not present in population databases (ExAC no frequency). This variant has not been reported in the literature in individuals affected with PLCB1-related conditions. Algorithms developed to predict the effect of missense changes on protein structure and function are either unavailable or do not agree on the potential impact of this missense change (SIFT: "Deleterious"; PolyPhen-2: "Possibly Damaging"; Align-GVGD: "Class C0"). In summary, the available evidence is currently insufficient to determine the role of this variant in disease. Therefore, it has been classified as a Variant of Uncertain Significance.